The following is an entry in ClinVar:

ClinVar aggregate classification (germline): Uncertain significance (1 of 4 stars; one submission).

Conditions:
Hypertrophic cardiomyopathy. Also called: HYPERTROPHIC MYOCARDIOPATHY. Identifiers: Orphanet 217569, MedGen C0007194, MeSH D002312, MONDO:0005045, HP:0001639.

gnomAD v4.1: 1 of 1,611,840 alleles (0.000062%); highest among the groups gnomAD compares: African/African-American, 0.0013%; no homozygotes.

Submission:

Labcorp Genetics (formerly Invitae), Labcorp
Classification: Uncertain significance for Hypertrophic cardiomyopathy. Last evaluated: 2022-04-01. Review status: criteria provided, single submitter. Criteria: Invitae Variant Classification Sherloc (09022015). Collection method: clinical testing. Allele origin: germline.
Comment: Algorithms developed to predict the effect of sequence changes on RNA splicing suggest that this variant may disrupt the consensus splice site. This variant has not been reported in the literature in individuals affected with MYOM1-related conditions. This variant is not present in population databases (gnomAD no frequency). This sequence change affects codon 542 of the MYOM1 mRNA. It is a 'silent' change, meaning that it does not change the encoded amino acid sequence of the MYOM1 protein. In summary, the available evidence is currently insufficient to determine the role of this variant in disease. Therefore, it has been classified as a Variant of Uncertain Significance.

NM_003803.4(MYOM1):c.1626C>A (p.Leu542=)

Gene: MYOM1 (myomesin 1; minus strand). Cytogenetic location: 18p11.31.
Variant type: single nucleotide variant.
Coding change: c.1626C>A on transcript NM_003803.4 (MANE Select); coding-DNA position 1626, C replaced by A.
Protein change: p.Leu542=; no amino-acid change (leucine 542 retained).
Molecular consequence: synonymous variant.
Genome position (GRCh38, 1-based): chr18:3,154,964, G>T on the plus strand (C>A on the coding strand, the complement: MYOM1 is on the minus strand). VCF-style: chr18-3154964-G-T. GRCh37 (hg19) VCF-style: chr18-3154962-G-T.
Other names: c.1626C>A, p.Leu542= (NM_019856.2).
Identifiers: ClinVar variation 2107537 (VCV002107537.4), dbSNP rs768451222, ClinGen allele CA502691507.